The following is an entry in ClinVar:

NM_015338.6(ASXL1):c.100A>G (p.Ile34Val)

Gene: ASXL1 (ASXL transcriptional regulator 1; plus strand). Cytogenetic location: 20q11.21.
Variant type: single nucleotide variant.
Coding change: c.100A>G on transcript NM_015338.6 (MANE Select); coding-DNA position 100, A replaced by G.
Protein change: p.Ile34Val; replaces isoleucine 34 with valine.
Molecular consequence: missense variant.
Genome position (GRCh38, 1-based): chr20:32,366,426, A>G. VCF-style: chr20-32366426-A-G. GRCh37 (hg19) VCF-style: chr20-30954229-A-G.
Other names: c.100A>G, p.Ile34Val (NM_001164603.1); c.70A>G, p.Ile24Val (NM_001363734.1); short protein forms I24V, I34V.
Identifiers: ClinVar variation 5029894 (VCV005029894.1).
Genomic context (GRCh38, chr20:32,366,426, plus strand): 5'-ACGTTTATATTTCTTCAGGTATTAGAAAACTACTCGGATGCTCCAATGACACCAAAACAG[A>G]TTCTGCAGGTCATAGAGGCAGAAGGACTAAAGGAAATGAGGTTTGTATTGTTCTTGTTGC-3'
Protein context (NP_056153.2, residues 24-44): YSDAPMTPKQ[Ile34Val]LQVIEAEGLK

ClinVar aggregate classification (germline): Uncertain significance (1 of 4 stars; one submission).

Conditions:
Inborn genetic diseases. Identifiers: MedGen C0950123, MeSH D030342.

Submission:

Ambry Genetics
Classification: Uncertain significance for Inborn genetic diseases. Last evaluated: 2026-07-12. Review status: criteria provided, single submitter. Criteria: Ambry Variant Classification Scheme 2023. Collection method: clinical testing. Allele origin: germline.
Comment: The p.I34V variant (also known as c.100A>G), located in coding exon 2 of the ASXL1 gene, results from an A to G substitution at nucleotide position 100. The isoleucine at codon 34 is replaced by valine, an amino acid with highly similar properties. This amino acid position is conserved. In addition, the in silico prediction for this alteration is inconclusive. Based on the available evidence, the clinical significance of this variant remains unclear.